The following is an entry in ClinVar:

ClinVar aggregate classification (germline): Uncertain significance (1 of 4 stars; one submission).

Submission:

GeneDx
Classification: Uncertain significance. Last evaluated: 2025-01-03. Review status: criteria provided, single submitter. Criteria: GeneDx Variant Classification Process June 2021. Collection method: clinical testing. Allele origin: germline.
Comment: Not observed at significant frequency in large population cohorts (gnomAD); In silico analysis supports that this missense variant has a deleterious effect on protein structure/function; In silico analysis supports that this missense variant has a deleterious effect on splicing; Has not been previously published as pathogenic or benign to our knowledge

NM_018426.3(TMEM63B):c.1277G>T (p.Arg426Leu)

Gene: TMEM63B (transmembrane protein 63B; plus strand). Cytogenetic location: 6p21.1.
Variant type: single nucleotide variant.
Coding change: c.1277G>T on transcript NM_018426.3 (MANE Select); coding-DNA position 1277, G replaced by T.
Protein change: p.Arg426Leu; replaces arginine 426 with leucine.
Molecular consequence: missense variant.
Genome position (GRCh38, 1-based): chr6:44,148,809, G>T. VCF-style: chr6-44148809-G-T. GRCh37 (hg19) VCF-style: chr6-44116546-G-T.
Other names: c.1277G>T, p.Arg426Leu (NM_001318792.1); short protein forms R426L.
Identifiers: ClinVar variation 3365005 (VCV003365005.2).